The following is an entry in ClinVar:

ClinVar aggregate classification (germline): Likely benign (1 of 4 stars; one submission).

Allele frequency attached by ClinVar (database versions not stated): ESP Exome Variant Server 0.00054; TOPMed 0.00084; gnomAD 0.00095; gnomAD exomes 0.00135; ExAC 0.00152; 1000 Genomes Project 0.00180; 1000 Genomes Project 30x 0.00187.

Submission:

CeGaT Center for Human Genetics Tuebingen
Classification: Likely benign. Last evaluated: 2022-07-01. Review status: criteria provided, single submitter. Criteria: CeGaT Center For Human Genetics Tuebingen Variant Classification Criteria Version 2. Collection method: clinical testing. Allele origin: germline. Affected: yes. Observed: 1 variant allele.
Comment: ZNF468: BP4, BP7

NM_001008801.2(ZNF468):c.456C>T (p.His152=)

Gene: ZNF468 (zinc finger protein 468; minus strand). Cytogenetic location: 19q13.41.
Variant type: single nucleotide variant.
Coding change: c.456C>T on transcript NM_001008801.2 (MANE Select); coding-DNA position 456, C replaced by T.
Protein change: p.His152=; no amino-acid change (histidine 152 retained).
Molecular consequence: synonymous variant. On other transcripts: 3 prime UTR variant (1), non-coding transcript variant (3).
Genome position (GRCh38, 1-based): chr19:52,841,838, G>A on the plus strand (C>T on the coding strand, the complement: ZNF468 is on the minus strand). VCF-style: chr19-52841838-G-A. GRCh37 (hg19) VCF-style: chr19-53345091-G-A.
Other names: c.*190C>T (NM_001277120.2).
Identifiers: ClinVar variation 2650398 (VCV002650398.24), dbSNP rs150110385, ClinGen allele CA9628522.